The following is an entry in ClinVar:

NM_021035.3(ZNFX1):c.3717G>A (p.Lys1239=)

Gene: ZNFX1 (zinc finger NFX1-type containing 1; minus strand). Cytogenetic location: 20q13.13.
Variant type: single nucleotide variant.
Coding change: c.3717G>A on transcript NM_021035.3 (MANE Select); coding-DNA position 3717, G replaced by A.
Protein change: p.Lys1239=; no amino-acid change (lysine 1239 retained).
Molecular consequence: synonymous variant.
Genome position (GRCh38, 1-based): chr20:49,249,307, C>T on the plus strand (G>A on the coding strand, the complement: ZNFX1 is on the minus strand). VCF-style: chr20-49249307-C-T. GRCh37 (hg19) VCF-style: chr20-47865844-C-T.
Identifiers: ClinVar variation 712140 (VCV000712140.19), dbSNP rs150481139, ClinGen allele CA9901999.
Genomic context (GRCh38, chr20:49,249,307, plus strand): 5'-CATGGGGCCTATTTGATTGTTCTCTCGAAGTGTATGAATGATCTTGCTCCACAGGGGCAC[C>T]TTGGCCAGCATCTGCATGTTTCCGATGCAGTACATTCCCTTCTTGGCTCGGGACAAGGCC-3'
Protein context (NP_066363.1, residues 1229-1249): YCIGNMQMLA[Lys1239=]VPLWSKIIHT

ClinVar aggregate classification (germline): Benign/Likely benign. Review status: criteria provided, multiple submitters, no conflicts (2 of 4 stars). 4 submissions from 4 submitters: Benign (1); Likely benign (2). 1 of the submissions does not count toward it. Last evaluated 2026-07-01.

Conditions:
ZNFX1-related disorder. Also called: ZNFX1-related condition.

Allele frequency attached by ClinVar (database versions not stated): 1000 Genomes Project 30x 0.00031; 1000 Genomes Project 0.00040; gnomAD 0.00172 and 0.00184; ExAC 0.00185; ESP Exome Variant Server 0.00192; TOPMed 0.00193; gnomAD exomes 0.00204 and 0.00217.
gnomAD v4.1: 3,407 of 1,614,246 alleles (0.21%); highest among the groups gnomAD compares: Admixed American, 0.28%; 1 homozygote.

Submissions (4):

CeGaT Center for Human Genetics Tuebingen
Classification: Likely benign. Last evaluated: 2026-07-01. Review status: criteria provided, single submitter. Criteria: CeGaT Center For Human Genetics Tuebingen Variant Classification Criteria Version 2. Collection method: clinical testing. Allele origin: germline. Affected: yes. Observed: 2 variant alleles.
Comment: ZNFX1: BP4, BP7

Blueprint Genetics
Classification: Likely benign. Last evaluated: 2024-11-27. Review status: criteria provided, single submitter. Criteria: ACMG Guidelines, 2015. Collection method: clinical testing. Allele origin: germline.

Labcorp Genetics (formerly Invitae), Labcorp
Classification: Benign. Last evaluated: 2018-06-04. Review status: criteria provided, single submitter. Criteria: Invitae Variant Classification Sherloc (09022015). Collection method: clinical testing. Allele origin: germline.

PreventionGenetics, part of Exact Sciences
Classification: Likely benign for ZNFX1-related condition. Last evaluated: 2023-07-21. Review status: no assertion criteria provided. Collection method: clinical testing. Allele origin: germline. Not counted in ClinVar's aggregate classification.
Comment: This variant is classified as likely benign based on ACMG/AMP sequence variant interpretation guidelines (Richards et al. 2015 PMID: 25741868, with internal and published modifications).